The following is an entry in ClinVar:

NM_004055.5(CAPN5):c.786G>A (p.Val262=)

Gene: CAPN5 (calpain 5; plus strand). Cytogenetic location: 11q13.5.
Variant type: single nucleotide variant.
Coding change: c.786G>A on transcript NM_004055.5 (MANE Select); coding-DNA position 786, G replaced by A.
Protein change: p.Val262=; no amino-acid change (valine 262 retained).
Molecular consequence: synonymous variant. On other transcripts: non-coding transcript variant (1).
Genome position (GRCh38, 1-based): chr11:77,115,481, G>A. VCF-style: chr11-77115481-G-A. GRCh37 (hg19) VCF-style: chr11-76826527-G-A.
Other names: c.906G>A, p.Val302= (NM_001425321.1); c.786G>A, p.Val262= (NM_001425322.1); c.654G>A, p.Val218= (NM_001425323.1).
Identifiers: ClinVar variation 3607154 (VCV003607154.2).

ClinVar aggregate classification (germline): Uncertain significance (1 of 4 stars; one submission).

gnomAD v4.1: 11 of 1,613,212 alleles (0.00068%); highest among the groups gnomAD compares: African/African-American, 0.0027%; no homozygotes.

Submission:

Labcorp Genetics (formerly Invitae), Labcorp
Classification: Uncertain significance. Last evaluated: 2024-03-19. Review status: criteria provided, single submitter. Criteria: Invitae Variant Classification Sherloc (09022015). Collection method: clinical testing. Allele origin: germline.
Comment: This sequence change affects codon 262 of the CAPN5 mRNA. It is a 'silent' change, meaning that it does not change the encoded amino acid sequence of the CAPN5 protein. This variant is present in population databases (no rsID available, gnomAD 0.004%). This variant has not been reported in the literature in individuals affected with CAPN5-related conditions. Algorithms developed to predict the effect of sequence changes on RNA splicing suggest that this variant may create or strengthen a splice site. In summary, the available evidence is currently insufficient to determine the role of this variant in disease. Therefore, it has been classified as a Variant of Uncertain Significance.